The following is an entry in ClinVar:

NM_000387.6(SLC25A20):c.106-2A>G

Gene: SLC25A20 (solute carrier family 25 member 20; minus strand). Cytogenetic location: 3p21.31.
Variant type: single nucleotide variant.
Coding change: c.106-2A>G on transcript NM_000387.6 (MANE Select); the canonical splice acceptor site of the intron before coding-DNA position 106, A replaced by G.
Molecular consequence: splice acceptor variant.
Genome position (GRCh38, 1-based): chr3:48,892,074, T>C on the plus strand (A>G on the coding strand, the complement: SLC25A20 is on the minus strand). VCF-style: chr3-48892074-T-C. GRCh37 (hg19) VCF-style: chr3-48929507-T-C.
Identifiers: ClinVar variation 2031549 (VCV002031549.4), dbSNP rs587777287, ClinGen allele CA2387494.

ClinVar aggregate classification (germline): Pathogenic (1 of 4 stars; one submission).

Conditions:
Carnitine acylcarnitine translocase deficiency (CACTD). Identifiers: Orphanet 159, MedGen C0342791, MONDO:0008918, OMIM 212138.

Allele frequency attached by ClinVar (database versions not stated): gnomAD exomes below 0.00001; ExAC 0.00001.
gnomAD v4.1: 1 of 1,613,244 alleles (0.000062%); highest among the groups gnomAD compares: East Asian, 0.0022%; no homozygotes.

Submission:

Labcorp Genetics (formerly Invitae), Labcorp
Classification: Pathogenic for Carnitine acylcarnitine translocase deficiency. Last evaluated: 2023-09-19. Review status: criteria provided, single submitter. Criteria: Invitae Variant Classification Sherloc (09022015). Collection method: clinical testing. Allele origin: germline.
Comment: This sequence change affects an acceptor splice site in intron 1 of the SLC25A20 gene. It is expected to disrupt RNA splicing. Variants that disrupt the donor or acceptor splice site typically lead to a loss of protein function (PMID: 16199547), and loss-of-function variants in SLC25A20 are known to be pathogenic (PMID: 25614308). This variant is present in population databases (rs587777287, gnomAD 0.006%). Disruption of this splice site has been observed in individual(s) with CACT deficiency (PMID: 24088670; Invitae). ClinVar contains an entry for this variant (Variation ID: 2031549). Algorithms developed to predict the effect of sequence changes on RNA splicing suggest that this variant may disrupt the consensus splice site. For these reasons, this variant has been classified as Pathogenic.

Literature cited by the submitters: PubMed 16199547; PubMed 25614308; PubMed 24088670.